The following is an entry in ClinVar:

NM_138713.4(NFAT5):c.1945A>G (p.Thr649Ala)

Gene: NFAT5 (nuclear factor of activated T cells 5; plus strand). Cytogenetic location: 16q22.1.
Variant type: single nucleotide variant.
Coding change: c.1945A>G on transcript NM_138713.4 (MANE Select); coding-DNA position 1945, A replaced by G.
Protein change: p.Thr649Ala; replaces threonine 649 with alanine.
Molecular consequence: missense variant.
Genome position (GRCh38, 1-based): chr16:69,691,770, A>G. VCF-style: chr16-69691770-A-G. GRCh37 (hg19) VCF-style: chr16-69725673-A-G.
Other names: c.1942A>G, p.Thr648Ala (NM_001113178.3); c.1270A>G, p.Thr424Ala (NM_001367709.1); c.1891A>G, p.Thr631Ala (NM_006599.4); c.1663A>G, p.Thr555Ala (NM_138714.4, NM_173214.3, NM_173215.3); short protein forms T424A, T631A, T649A, T555A, T648A.
Identifiers: ClinVar variation 1488195 (VCV001488195.8), dbSNP rs2037554143, ClinGen allele CA396506878.

ClinVar aggregate classification (germline): Uncertain significance (1 of 4 stars; one submission).

Conditions:
Immunodeficiency. Identifiers: MedGen C0021051, MONDO:0021094, HP:0002721.

Allele frequency attached by ClinVar (database versions not stated): gnomAD 0.00001.
gnomAD v4.1: 1 of 1,613,414 alleles (0.000062%); highest among the groups gnomAD compares: Non-Finnish European, 0.000085%; no homozygotes.

Submission:

Labcorp Genetics (formerly Invitae), Labcorp
Classification: Uncertain significance for Immunodeficiency. Last evaluated: 2022-11-27. Review status: criteria provided, single submitter. Criteria: Invitae Variant Classification Sherloc (09022015). Collection method: clinical testing. Allele origin: germline.
Comment: This sequence change replaces threonine, which is neutral and polar, with alanine, which is neutral and non-polar, at codon 555 of the NFAT5 protein (p.Thr555Ala). This variant is not present in population databases (gnomAD no frequency). This variant has not been reported in the literature in individuals affected with NFAT5-related conditions. In summary, the available evidence is currently insufficient to determine the role of this variant in disease. Therefore, it has been classified as a Variant of Uncertain Significance. Algorithms developed to predict the effect of missense changes on protein structure and function are either unavailable or do not agree on the potential impact of this missense change (SIFT: "Tolerated"; PolyPhen-2: "Possibly Damaging"; Align-GVGD: "Class C0"). ClinVar contains an entry for this variant (Variation ID: 1488195).